The following is an entry in ClinVar:

ClinVar aggregate classification (germline): Uncertain significance. Review status: criteria provided, multiple submitters, no conflicts (2 of 4 stars). 3 submissions from 3 submitters: Uncertain significance (3). Last evaluated 2026-01-04.

Conditions:
Cardiovascular phenotype. Identifiers: MedGen CN230736.
Arrhythmogenic cardiomyopathy with wooly hair and keratoderma. Also called: Arrhythmogenic cardiomyopathy with woolly hair and keratoderma; Carvajal syndrome; PALMOPLANTAR KERATODERMA WITH LEFT VENTRICULAR CARDIOMYOPATHY AND WOOLLY HAIR; Dilated cardiomyopathy with woolly hair and keratoderma. Identifiers: Orphanet 65282, MedGen C1854063, MONDO:0011581, OMIM 605676.
Arrhythmogenic right ventricular dysplasia 8 (ARVD8). Also called: ARRHYTHMOGENIC RIGHT VENTRICULAR CARDIOMYOPATHY 8; Arrhythmogenic Right Ventricular Dysplasia/Cardiomyopathy 8; ARRHYTHMOGENIC RIGHT VENTRICULAR DYSPLASIA, FAMILIAL, 8. Identifiers: MedGen C1843896, MONDO:0011831, OMIM 607450.
Cardiomyopathy (CMYO). Also called: Cardiomyopathies. Identifiers: Orphanet 167848, MedGen C0878544, MONDO:0004994, HP:0001638. Inheritance: Various modes of inheritance.

Submissions (3):

Labcorp Genetics (formerly Invitae), Labcorp
Classification: Uncertain significance for Arrhythmogenic cardiomyopathy with wooly hair and keratoderma; Arrhythmogenic right ventricular dysplasia 8. Last evaluated: 2026-01-04. Review status: criteria provided, single submitter. Criteria: Invitae Variant Classification Sherloc (09022015). Collection method: clinical testing. Allele origin: germline.
Comment: This sequence change replaces proline, which is neutral and non-polar, with isoleucine, which is neutral and non-polar, at codon 2099 of the DSP protein (p.Pro2099Ile). This variant is present in population databases (rs587782942, gnomAD 0.04%). This variant has not been reported in the literature in individuals affected with DSP-related conditions. ClinVar contains an entry for this variant (Variation ID: 155788). An algorithm developed to predict the effect of missense changes on protein structure and function (PolyPhen-2) suggests that this variant is likely to be disruptive. In summary, the available evidence is currently insufficient to determine the role of this variant in disease. Therefore, it has been classified as a Variant of Uncertain Significance.

Color Diagnostics, LLC DBA Color Health
Classification: Uncertain significance for Cardiomyopathy. Last evaluated: 2023-12-05. Review status: criteria provided, single submitter. Criteria: ACMG Guidelines, 2015. Collection method: clinical testing. Allele origin: germline.
Comment: This missense variant replaces proline with isoleucine at codon 2099 of the DSP protein. Computational prediction tools and conservation analyses are inconclusive regarding the impact of this variant on the protein function. To our knowledge, functional assays have not been performed for this variant nor has this variant been reported in individuals affected with cardiovascular disorders in the literature. This variant has not been identified in the general population by the Genome Aggregation Database (gnomAD). Available evidence is insufficient to determine the role of this variant in disease conclusively. Therefore, this variant is classified as a Variant of Uncertain Significance.

Ambry Genetics
Classification: Uncertain significance for Cardiovascular phenotype. Last evaluated: 2017-06-05. Review status: criteria provided, single submitter. Criteria: Ambry Variant Classification Scheme 2023. Collection method: clinical testing. Allele origin: germline.
Comment: The c.6295_6296delCCinsAT (p.P2099I) alteration, located in exon 24 (coding exon 24) of the DSP gene, consists of an in-frame substitution of 2 nucleotides from position 6295 to 6296, resulting in the insertion of 1 residue. Based on insufficient or conflicting evidence, the clinical significance of this alteration remains unclear.

NM_004415.4(DSP):c.6295_6296delinsAT (p.Pro2099Ile)

Gene: DSP (desmoplakin; plus strand). Cytogenetic location: 6p24.3.
Variant type: Indel.
Coding change: c.6295_6296delinsAT on transcript NM_004415.4 (MANE Select); coding-DNA positions 6295 to 6296, CC replaced by AT.
Protein change: p.Pro2099Ile; replaces proline 2099 with isoleucine.
Molecular consequence: missense variant.
Genome position (GRCh38, 1-based): chr6:7,583,557-7,583,558, CC replaced by AT. VCF-style: chr6-7583557-CC-AT. GRCh37 (hg19) VCF-style: chr6-7583790-CC-AT.
Other names: c.4498_4499delinsAT, p.Pro1500Ile (NM_001008844.3); c.4966_4967delinsAT, p.Pro1656Ile (NM_001319034.2); c.6295_6296delinsAT (NM_004415.2); c.6295_6296delCCinsAT (LRG_423t1); short protein forms P1500I, P1656I, P2099I.
Identifiers: ClinVar variation 155788 (VCV000155788.17), dbSNP rs587782942, ClinGen allele CA006811.